The following is an entry in ClinVar:

NM_001048174.2(MUTYH):c.97A>C (p.Lys33Gln)

Gene: MUTYH (mutY DNA glycosylase; minus strand). Cytogenetic location: 1p34.1.
Variant type: single nucleotide variant.
Coding change: c.97A>C on transcript NM_001048174.2 (MANE Select); coding-DNA position 97, A replaced by C.
Protein change: p.Lys33Gln; replaces lysine 33 with glutamine.
Molecular consequence: missense variant. On other transcripts: 5 prime UTR variant (4), non-coding transcript variant (2).
Genome position (GRCh38, 1-based): chr1:45,334,409, T>G on the plus strand (A>C on the coding strand, the complement: MUTYH is on the minus strand). VCF-style: chr1-45334409-T-G. GRCh37 (hg19) VCF-style: chr1-45800081-T-G.
Other names: c.97A>C, p.Lys33Gln (NM_001048171.2, NM_001048172.2, NM_001048173.2 and 2 more transcripts); c.139A>C, p.Lys47Gln (NM_001128425.2, NM_001293190.2, NM_012222.3); c.-116A>C (NM_001293192.2, NM_001293196.2); c.-175A>C (NM_001350650.2); c.-111A>C (NM_001350651.2); short protein forms K33Q, K47Q.
Identifiers: ClinVar variation 942681 (VCV000942681.10), dbSNP rs1645561128, ClinGen allele CA340136986.
Genomic context (GRCh38, chr1:45,334,409, plus strand): 5'-TTTCATGGCCAATGAGCCTTGGGCCACAACCTAGTTCCTTACCATCACAGGCAGAAGGCT[T>G]GGCCTGACTGTTGTTCTTAGCATGCTTCTGCCTCCCTTCCTGGCTGGCTGCCTGCTTCCT-3'
Protein context (NP_001041639.1, residues 23-43): QKHAKNNSQA[Lys33Gln]PSACDGLARQ

ClinVar aggregate classification (germline): Uncertain significance. Review status: criteria provided, multiple submitters, no conflicts (2 of 4 stars). 2 submissions from 2 submitters: Uncertain significance (2). Last evaluated 2025-08-27.

Conditions:
Familial adenomatous polyposis 2. Also called: Adenomas, multiple colorectal; MUTYH Polyposis; COLORECTAL ADENOMATOUS POLYPOSIS, AUTOSOMAL RECESSIVE; ADENOMAS, MULTIPLE COLORECTAL, AUTOSOMAL RECESSIVE; MUTYH-associated polyposis; MUTYH-related attenuated familial adenomatous polyposis. Identifiers: Orphanet 220460, Orphanet 247798, MedGen C3272841, MONDO:0012041, OMIM 608456.
Hereditary cancer-predisposing syndrome. Also called: Neoplastic Syndromes, Hereditary; Tumor predisposition; Hereditary Cancer Syndrome; Hereditary neoplastic syndrome. Identifiers: Orphanet 140162, MedGen C0027672, MeSH D009386, MONDO:0015356.

Submissions (2):

Ambry Genetics
Classification: Uncertain significance for Hereditary cancer-predisposing syndrome. Last evaluated: 2025-08-27. Review status: criteria provided, single submitter. Criteria: Ambry Variant Classification Scheme 2023. Collection method: clinical testing. Allele origin: germline.
Comment: The p.K47Q variant (also known as c.139A>C), located in coding exon 2 of the MUTYH gene, results from an A to C substitution at nucleotide position 139. The lysine at codon 47 is replaced by glutamine, an amino acid with similar properties. This amino acid position is conserved. In addition, this alteration is predicted to be tolerated by in silico analysis. Based on the available evidence, the clinical significance of this variant remains unclear.

Labcorp Genetics (formerly Invitae), Labcorp
Classification: Uncertain significance for Familial adenomatous polyposis 2. Last evaluated: 2023-02-08. Review status: criteria provided, single submitter. Criteria: Invitae Variant Classification Sherloc (09022015). Collection method: clinical testing. Allele origin: germline.
Comment: This sequence change replaces lysine, which is basic and polar, with glutamine, which is neutral and polar, at codon 47 of the MUTYH protein (p.Lys47Gln). This variant is not present in population databases (gnomAD no frequency). This variant has not been reported in the literature in individuals affected with MUTYH-related conditions. ClinVar contains an entry for this variant (Variation ID: 942681). Algorithms developed to predict the effect of missense changes on protein structure and function (SIFT, PolyPhen-2, Align-GVGD) all suggest that this variant is likely to be tolerated. In summary, the available evidence is currently insufficient to determine the role of this variant in disease. Therefore, it has been classified as a Variant of Uncertain Significance.